The following is an entry in ClinVar:

ClinVar aggregate classification (germline): Uncertain significance (1 of 4 stars; one submission).

gnomAD v4.1: 1 of 1,613,878 alleles (0.000062%); highest among the groups gnomAD compares: Non-Finnish European, 0.000085%; no homozygotes.

Submission:

Labcorp Genetics (formerly Invitae), Labcorp
Classification: Uncertain significance. Last evaluated: 2025-07-23. Review status: criteria provided, single submitter. Criteria: Invitae Variant Classification Sherloc (09022015). Collection method: clinical testing. Allele origin: germline.
Comment: This sequence change replaces glutamine, which is neutral and polar, with glutamic acid, which is acidic and polar, at codon 1162 of the CLTC protein (p.Gln1162Glu). This variant is not present in population databases (gnomAD no frequency). This variant has not been reported in the literature in individuals affected with CLTC-related conditions. Invitae Evidence Modeling of protein sequence and biophysical properties (such as structural, functional, and spatial information, amino acid conservation, physicochemical variation, residue mobility, and thermodynamic stability) indicates that this missense variant is not expected to disrupt CLTC protein function with a negative predictive value of 80%. In summary, the available evidence is currently insufficient to determine the role of this variant in disease. Therefore, it has been classified as a Variant of Uncertain Significance.

NM_004859.4(CLTC):c.3472C>G (p.Gln1158Glu)

Gene: CLTC (clathrin heavy chain; plus strand). Cytogenetic location: 17q23.1.
Variant type: single nucleotide variant.
Coding change: c.3472C>G on transcript NM_004859.4 (MANE Select); coding-DNA position 3472, C replaced by G.
Protein change: p.Gln1158Glu; replaces glutamine 1158 with glutamic acid.
Molecular consequence: missense variant.
Genome position (GRCh38, 1-based): chr17:59,682,300, C>G. VCF-style: chr17-59682300-C-G. GRCh37 (hg19) VCF-style: chr17-57759661-C-G.
Other names: c.3484C>G, p.Gln1162Glu (NM_001288653.2); short protein forms Q1158E, Q1162E.
Identifiers: ClinVar variation 4741898 (VCV004741898.1).